The following is an entry in ClinVar:

ClinVar aggregate classification (germline): Uncertain significance (1 of 4 stars; one submission).

Submission:

Medical Genetic Center, Changzhi Maternal and Child Health Care Hospital
Classification: Uncertain significance. Last evaluated: 2025-12-10. Review status: criteria provided, single submitter. Criteria: ACMG/ClinGen CNV Guidelines, 2019. Collection method: clinical testing. Allele origin: unknown.

GRCh38/hg38 14q32.12(chr14:92017732-92145880)x1

Genes: ATXN3 (ataxin 3; minus strand), CPSF2 (cleavage and polyadenylation specific factor 2; plus strand), NDUFB1 (NADH:ubiquinone oxidoreductase subunit B1; minus strand), TRIP11 (thyroid hormone receptor interactor 11; minus strand), LOC108663987 (ataxin 3 repeat instability region; plus strand) and 4 more. Cytogenetic location: 14q32.12.
Variant type: copy number loss.
Change: copy number 1 (one copy instead of two) of chr14:92,017,732-92,145,880 (128.1 kb, GRCh38 coordinates, 1-based), cytogenetic band 14q32.12.
Identifiers: ClinVar variation 4796434 (VCV004796434.1).